The following is an entry in ClinVar:

ClinVar aggregate classification (germline): Conflicting classifications of pathogenicity. Review status: criteria provided, conflicting classifications (1 of 4 stars). 4 submissions from 4 submitters: Likely pathogenic (1); Uncertain significance (2). 1 of the submissions does not count toward it. Last evaluated 2025-04-17.

Conditions:
Neuronal ceroid lipofuscinosis. Also called: Neuronal Ceroid Lipofuscinoses. Identifiers: Orphanet 216, Orphanet 79263, MedGen C0027877, MONDO:0016295. Disease mechanism: loss of function.
Neuronal ceroid lipofuscinosis 13 (CLN13). Also called: CLN13 Disease; CEROID LIPOFUSCINOSIS, NEURONAL, 13 (KUFS TYPE). Identifiers: Orphanet 352709, Orphanet 79262, MedGen C3715049, MONDO:0014147, OMIM 615362.

Allele frequency attached by ClinVar (database versions not stated): gnomAD exomes 0.00001 and below 0.00001; TOPMed 0.00001.
gnomAD v4.1: 9 of 1,613,154 alleles (0.00056%); highest among the groups gnomAD compares: South Asian, 0.0022%; no homozygotes.

Submissions (4):

Women's Health and Genetics/Laboratory Corporation of America, LabCorp
Classification: Likely pathogenic for Neuronal ceroid lipofuscinosis. Last evaluated: 2025-04-17. Review status: criteria provided, single submitter. Criteria: LabCorp Variant Classification Summary - May 2015. Collection method: clinical testing. Allele origin: germline.
Comment: Variant summary: CTSF c.1439C>T (p.Ser480Leu) results in a non-conservative amino acid change in the encoded protein sequence. Four of five in-silico tools predict a damaging effect of the variant on protein function. The variant allele was found at a frequency of 4e-06 in 249950 control chromosomes. c.1439C>T has been observed in individual(s) affected with Neuronal Ceroid-Lipofuscinosis (Batten Disease) (example: Smith_2013, Refeat_2022). These data indicate that the variant is likely to be associated with disease. To our knowledge, no experimental evidence demonstrating an impact on protein function has been reported. The following publications have been ascertained in the context of this evaluation (PMID: 36435927, 23297359). ClinVar contains an entry for this variant (Variation ID: 60677). Based on the evidence outlined above, the variant was classified as likely pathogenic.

Dasa
Classification: Uncertain significance. Last evaluated: 2025-03-08. Review status: criteria provided, single submitter. Criteria: DASA Assertion Criteria. Collection method: clinical testing. Allele origin: germline.
Comment: NM_003793.4(CTSF):c.1439C>T (p.Ser480Leu) is a missense variant that results in the substitution of serine with leucine. This variant has been reported in individuals with CTSF-related disorders (PMID: 23297359). Also, this variant is rare in population databases. The currently available literature and clinical evidence are not sufficient to establish a definitive association between this variant and the reported condition. Therefore, this variant is classified as a variant of uncertain significance.

Genomic Medicine Center of Excellence, King Faisal Specialist Hospital and Research Centre
Classification: Uncertain significance for Neuronal ceroid lipofuscinosis 13. Last evaluated: 2024-03-29. Review status: criteria provided, single submitter. Criteria: ACMG Guidelines, 2015. Collection method: clinical testing. Allele origin: germline.

OMIM
Classification: Pathogenic for CEROID LIPOFUSCINOSIS, NEURONAL, 13 (KUFS TYPE). Last evaluated: 2013-04-01. Review status: no assertion criteria provided. Collection method: literature only. Allele origin: germline. Not counted in ClinVar's aggregate classification.

Literature cited by the submitters: PubMed 36435927 (cited by Women's Health and Genetics/Laboratory Corporation of America, LabCorp); PubMed 23297359 (cited by 3 submitters).

NM_003793.4(CTSF):c.1439C>T (p.Ser480Leu)

Gene: CTSF (cathepsin F; minus strand). Cytogenetic location: 11q13.2.
Variant type: single nucleotide variant.
Coding change: c.1439C>T on transcript NM_003793.4 (MANE Select); coding-DNA position 1439, C replaced by T.
Protein change: p.Ser480Leu; replaces serine 480 with leucine.
Molecular consequence: missense variant.
Genome position (GRCh38, 1-based): chr11:66,563,949, G>A on the plus strand (C>T on the coding strand, the complement: CTSF is on the minus strand). VCF-style: chr11-66563949-G-A. GRCh37 (hg19) VCF-style: chr11-66331420-G-A.
Other names: short protein forms S480L.
Identifiers: ClinVar variation 60677 (VCV000060677.7), dbSNP rs397514733, ClinGen allele CA144618.